The following is an entry in ClinVar:

ClinVar aggregate classification (germline): Uncertain significance. Review status: criteria provided, multiple submitters, no conflicts (2 of 4 stars). 5 submissions from 5 submitters: Uncertain significance (5). Last evaluated 2025-04-28.

Conditions:
Hereditary cancer-predisposing syndrome. Also called: Neoplastic Syndromes, Hereditary; Tumor predisposition; Hereditary Cancer Syndrome; Hereditary neoplastic syndrome. Identifiers: Orphanet 140162, MedGen C0027672, MeSH D009386, MONDO:0015356.
Ataxia-telangiectasia-like disorder 1 (ATLD1). Identifiers: Orphanet 251347, MedGen C4012790, MONDO:0024557, OMIM 604391.
Ataxia-telangiectasia-like disorder (ATLD). Identifiers: MedGen C1858391, MONDO:0011457.

Allele frequency attached by ClinVar (database versions not stated): gnomAD exomes below 0.00001 and 0.00002; gnomAD 0.00001 and 0.00002; TOPMed 0.00002; 1000 Genomes Project 30x 0.00016; 1000 Genomes Project 0.00020.

Submissions (5):

Labcorp Genetics (formerly Invitae), Labcorp
Classification: Uncertain significance for Ataxia-telangiectasia-like disorder. Last evaluated: 2025-04-28. Review status: criteria provided, single submitter. Criteria: Invitae Variant Classification Sherloc (09022015). Collection method: clinical testing. Allele origin: germline.
Comment: This sequence change replaces arginine, which is basic and polar, with tryptophan, which is neutral and slightly polar, at codon 349 of the MRE11 protein (p.Arg349Trp). This variant is not present in population databases (gnomAD no frequency). This missense change has been observed in individual(s) with breast cancer (PMID: 29752822). ClinVar contains an entry for this variant (Variation ID: 232825). An algorithm developed to predict the effect of missense changes on protein structure and function (PolyPhen-2) suggests that this variant is likely to be disruptive. In summary, the available evidence is currently insufficient to determine the role of this variant in disease. Therefore, it has been classified as a Variant of Uncertain Significance.

Athena Diagnostics
Classification: Uncertain significance. Last evaluated: 2024-05-22. Review status: criteria provided, single submitter. Criteria: Athena Diagnostics Criteria. Collection method: clinical testing. Allele origin: unknown.
Comment: Available data are insufficient to determine the clinical significance of the variant at this time. The frequency of this variant in the general population is uninformative in assessment of its pathogenicity. Polyphen and MutationTaster predict this amino acid change may be damaging to the protein.

Baylor Genetics
Classification: Uncertain significance for Ataxia-telangiectasia-like disorder 1. Last evaluated: 2024-01-22. Review status: criteria provided, single submitter. Criteria: ACMG Guidelines, 2015. Collection method: clinical testing. Allele origin: unknown. Study: CSER-TexasKidsCanSeq.

Ambry Genetics
Classification: Uncertain significance for Hereditary cancer-predisposing syndrome. Last evaluated: 2018-12-20. Review status: criteria provided, single submitter. Criteria: Ambry Variant Classification Scheme 2023. Collection method: clinical testing. Allele origin: germline.
Comment: The p.R349W variant (also known as c.1045C>T), located in coding exon 9 of the MRE11A gene, results from a C to T substitution at nucleotide position 1045. The arginine at codon 349 is replaced by tryptophan, an amino acid with dissimilar properties. This amino acid position is highly conserved in available vertebrate species. In addition, the in silico prediction for this alteration is inconclusive. Since supporting evidence is limited at this time, the clinical significance of this alteration remains unclear.

Fulgent Genetics
Classification: Uncertain significance for Ataxia-telangiectasia-like disorder 1. Last evaluated: 2018-10-31. Review status: criteria provided, single submitter. Criteria: ACMG Guidelines, 2015. Collection method: clinical testing. Allele origin: unknown.

Literature cited by the submitters: PubMed 29752822 (cited by Labcorp Genetics (formerly Invitae), Labcorp and Athena Diagnostics); PubMed 32620917 (cited by Athena Diagnostics); PubMed 33339169 (cited by Athena Diagnostics).

NM_005591.4(MRE11):c.1045C>T (p.Arg349Trp)

Gene: MRE11 (MRE11 double strand break repair nuclease; minus strand). Cytogenetic location: 11q21.
Variant type: single nucleotide variant.
Coding change: c.1045C>T on transcript NM_005591.4 (MANE Select); coding-DNA position 1045, C replaced by T.
Protein change: p.Arg349Trp; replaces arginine 349 with tryptophan.
Molecular consequence: missense variant.
Genome position (GRCh38, 1-based): chr11:94,467,866, G>A on the plus strand (C>T on the coding strand, the complement: MRE11 is on the minus strand). VCF-style: chr11-94467866-G-A. GRCh37 (hg19) VCF-style: chr11-94201032-G-A.
Other names: c.1045C>T, p.Arg349Trp (NM_001330347.2, NM_005590.4); short protein forms R349W.
Identifiers: ClinVar variation 232825 (VCV000232825.18), dbSNP rs570102851, ClinGen allele CA10579393.